The following is an entry in ClinVar:

ClinVar aggregate classification (germline): Uncertain significance (1 of 4 stars; one submission).

Submission:

Labcorp Genetics (formerly Invitae), Labcorp
Classification: Uncertain significance. Last evaluated: 2021-12-02. Review status: criteria provided, single submitter. Criteria: Invitae Variant Classification Sherloc (09022015). Collection method: clinical testing. Allele origin: germline.
Comment: This variant is not present in population databases (gnomAD no frequency). This sequence change replaces proline, which is neutral and non-polar, with alanine, which is neutral and non-polar, at codon 131 of the PLEKHG2 protein (p.Pro131Ala). This variant has not been reported in the literature in individuals affected with PLEKHG2-related conditions. In summary, the available evidence is currently insufficient to determine the role of this variant in disease. Therefore, it has been classified as a Variant of Uncertain Significance. Algorithms developed to predict the effect of missense changes on protein structure and function (SIFT, PolyPhen-2, Align-GVGD) all suggest that this variant is likely to be disruptive.

NM_022835.3(PLEKHG2):c.391C>G (p.Pro131Ala)

Gene: PLEKHG2 (pleckstrin homology and RhoGEF domain containing G2; plus strand). Cytogenetic location: 19q13.2.
Variant type: single nucleotide variant.
Coding change: c.391C>G on transcript NM_022835.3 (MANE Select); coding-DNA position 391, C replaced by G.
Protein change: p.Pro131Ala; replaces proline 131 with alanine.
Molecular consequence: missense variant.
Genome position (GRCh38, 1-based): chr19:39,415,351, C>G. VCF-style: chr19-39415351-C-G. GRCh37 (hg19) VCF-style: chr19-39905991-C-G.
Other names: c.214C>G, p.Pro72Ala (NM_001351693.2); c.391C>G, p.Pro131Ala (NM_001351694.2); short protein forms P131A, P72A.
Identifiers: ClinVar variation 1378027 (VCV001378027.8), dbSNP rs2145980085, ClinGen allele CA405788408.